The following is an entry in ClinVar:

NM_004525.3(LRP2):c.13063C>T (p.Gln4355Ter)

Gene: LRP2 (LDL receptor related protein 2; minus strand). Cytogenetic location: 2q31.1.
Variant type: single nucleotide variant.
Coding change: c.13063C>T on transcript NM_004525.3 (MANE Select); coding-DNA position 13063, C replaced by T.
Protein change: p.Gln4355Ter; replaces glutamine 4355 with a stop codon.
Molecular consequence: nonsense.
Genome position (GRCh38, 1-based): chr2:169,142,719, G>A on the plus strand (C>T on the coding strand, the complement: LRP2 is on the minus strand). VCF-style: chr2-169142719-G-A. GRCh37 (hg19) VCF-style: chr2-169999229-G-A.
Other names: short protein forms Q4355*.
Identifiers: ClinVar variation 2709592 (VCV002709592.3), dbSNP rs2545653924, ClinGen allele CA349125257.

ClinVar aggregate classification (germline): Pathogenic (1 of 4 stars; one submission).

Submission:

Labcorp Genetics (formerly Invitae), Labcorp
Classification: Pathogenic. Last evaluated: 2024-01-16. Review status: criteria provided, single submitter. Criteria: Invitae Variant Classification Sherloc (09022015). Collection method: clinical testing. Allele origin: germline.
Comment: This sequence change creates a premature translational stop signal (p.Gln4355*) in the LRP2 gene. It is expected to result in an absent or disrupted protein product. Loss-of-function variants in LRP2 are known to be pathogenic (PMID: 17632512, 25682901). This variant is not present in population databases (gnomAD no frequency). This variant has not been reported in the literature in individuals affected with LRP2-related conditions. Algorithms developed to predict the effect of sequence changes on RNA splicing suggest that this variant may disrupt the consensus splice site. For these reasons, this variant has been classified as Pathogenic.

Literature cited by the submitters: PubMed 17632512; PubMed 25682901.